The following is an entry in ClinVar:

ClinVar aggregate classification (germline): Uncertain significance (1 of 4 stars; one submission).

Conditions:
Cardiovascular phenotype. Identifiers: MedGen CN230736.

Submission:

Ambry Genetics
Classification: Uncertain significance for Cardiovascular phenotype. Last evaluated: 2023-11-17. Review status: criteria provided, single submitter. Criteria: Ambry Variant Classification Scheme 2023. Collection method: clinical testing. Allele origin: germline.
Comment: The c.10368_10370delTAG variant (also known as p.S3456del) is located in coding exon 41 of the AKAP9 gene. This variant results from an in-frame TAG deletion at nucleotide positions 10368 to 10370. This results in the in-frame deletion of a serine at codon 3456. This amino acid position is not well conserved in available vertebrate species. The evidence for this gene-disease relationship is limited; therefore, the clinical significance of this alteration is unclear.

NM_005751.5(AKAP9):c.10368_10370del (p.Ser3456del)

Gene: AKAP9 (A-kinase anchoring protein 9; plus strand). Cytogenetic location: 7q21.2.
Variant type: Deletion.
Coding change: c.10368_10370del on transcript NM_005751.5 (MANE Select); coding-DNA positions 10368 to 10370, 3 bases deleted (TAG; older notation c.10368_10370delTAG).
Protein change: p.Ser3456del; deletes serine 3456.
Molecular consequence: inframe deletion.
Genome position (GRCh38, 1-based): chr7:92,097,327-92,097,329, TAG deleted; deleting any 3 consecutive bases within chr7:92,097,325-92,097,329 gives the same sequence; the c. name uses the placement nearest the transcript's 3' end. VCF-style (leftmost placement, unchanged base first): chr7-92097324-AAGT-A. GRCh37 (hg19) VCF-style: chr7-91726638-AAGT-A.
Other names: c.5013_5015del, p.Ser1671del (NM_001379277.1); c.10344_10346del, p.Ser3448del (NM_147185.3); short protein forms S1671del, S3448del, S3456del.
Identifiers: ClinVar variation 3225001 (VCV003225001.1), dbSNP rs2535301573, ClinGen allele CA2683691275.